The following is an entry in ClinVar:

NM_000135.4(FANCA):c.92A>G (p.Lys31Arg)

Gene: FANCA (FA complementation group A; minus strand). Cytogenetic location: 16q24.3.
Variant type: single nucleotide variant.
Coding change: c.92A>G on transcript NM_000135.4 (MANE Select); coding-DNA position 92, A replaced by G.
Protein change: p.Lys31Arg; replaces lysine 31 with arginine.
Molecular consequence: missense variant.
Genome position (GRCh38, 1-based): chr16:89,815,974, T>C on the plus strand (A>G on the coding strand, the complement: FANCA is on the minus strand). VCF-style: chr16-89815974-T-C. GRCh37 (hg19) VCF-style: chr16-89882382-T-C.
Other names: c.92A>G (NM_000135.2); c.92A>G, p.Lys31Arg (NM_001018112.3, NM_001286167.3, NM_001351830.2); short protein forms K31R.
Identifiers: ClinVar variation 1035235 (VCV001035235.9), dbSNP rs2041101472, ClinGen allele CA397483738.

ClinVar aggregate classification (germline): Uncertain significance. Review status: criteria provided, multiple submitters, no conflicts (2 of 4 stars). 2 submissions from 2 submitters: Uncertain significance (2). Last evaluated 2026-03-29.

Conditions:
Fanconi anemia (FA). Also called: Fanconi's anemia. Identifiers: Orphanet 84, MedGen C0015625, MeSH D005199, MONDO:0019391.
Inborn genetic diseases. Identifiers: MedGen C0950123, MeSH D030342.

Allele frequency attached by ClinVar (database versions not stated): gnomAD 0.00001; gnomAD exomes below 0.00001; TOPMed below 0.00001.
gnomAD v4.1: 3 of 1,613,478 alleles (0.00019%); highest among the groups gnomAD compares: East Asian, 0.0022%; no homozygotes.

Submissions (2):

Ambry Genetics
Classification: Uncertain significance for Inborn genetic diseases. Last evaluated: 2026-03-29. Review status: criteria provided, single submitter. Criteria: Ambry Variant Classification Scheme 2023. Collection method: clinical testing. Allele origin: germline.
Comment: The p.K31R variant (also known as c.92A>G), located in coding exon 2 of the FANCA gene, results from an A to G substitution at nucleotide position 92. The lysine at codon 31 is replaced by arginine, an amino acid with highly similar properties. This amino acid position is conserved. In addition, this alteration is predicted to be tolerated by in silico analysis. Based on the available evidence, the clinical significance of this variant remains unclear.

Labcorp Genetics (formerly Invitae), Labcorp
Classification: Uncertain significance for Fanconi anemia. Last evaluated: 2024-01-02. Review status: criteria provided, single submitter. Criteria: Invitae Variant Classification Sherloc (09022015). Collection method: clinical testing. Allele origin: germline.
Comment: This sequence change replaces lysine, which is basic and polar, with arginine, which is basic and polar, at codon 31 of the FANCA protein (p.Lys31Arg). This variant is not present in population databases (gnomAD no frequency). This variant has not been reported in the literature in individuals affected with FANCA-related conditions. ClinVar contains an entry for this variant (Variation ID: 1035235). Advanced modeling of protein sequence and biophysical properties (such as structural, functional, and spatial information, amino acid conservation, physicochemical variation, residue mobility, and thermodynamic stability) performed at Invitae indicates that this missense variant is not expected to disrupt FANCA protein function with a negative predictive value of 80%. In summary, the available evidence is currently insufficient to determine the role of this variant in disease. Therefore, it has been classified as a Variant of Uncertain Significance.